The following is an entry in ClinVar:

ClinVar aggregate classification (germline): Uncertain significance (1 of 4 stars; one submission).

Submission:

Mayo Clinic Laboratories, Mayo Clinic
Classification: Uncertain significance. Last evaluated: 2023-06-30. Review status: criteria provided, single submitter. Criteria: ACMG Guidelines, 2015. Collection method: clinical testing. Allele origin: germline. Observed: 1 variant allele.
Comment: PM2

NM_000090.4(COL3A1):c.861T>G (p.Asn287Lys)

Gene: COL3A1 (collagen type III alpha 1 chain; plus strand). Cytogenetic location: 2q32.2.
Variant type: single nucleotide variant.
Coding change: c.861T>G on transcript NM_000090.4 (MANE Select); coding-DNA position 861, T replaced by G.
Protein change: p.Asn287Lys; replaces asparagine 287 with lysine.
Molecular consequence: missense variant.
Genome position (GRCh38, 1-based): chr2:188,991,495, T>G. VCF-style: chr2-188991495-T-G. GRCh37 (hg19) VCF-style: chr2-189856221-T-G.
Other names: p.Asn287Lys; short protein forms N287K.
Identifiers: ClinVar variation 3379397 (VCV003379397.1).